The following is an entry in ClinVar:

ClinVar aggregate classification (germline): Benign. Review status: criteria provided, multiple submitters, no conflicts (2 of 4 stars). 5 submissions from 5 submitters: Benign (5). Last evaluated 2026-02-04.

Conditions:
Congenital dyserythropoietic anemia, type I. Also called: Dyserythropoietic anemia, congenital type 1. Identifiers: Orphanet 98869, MedGen C0271933, MONDO:0020337. Disease mechanism: loss of function.
Anemia, congenital dyserythropoietic, type 1a (CDAN1A). Also called: DYSERYTHROPOIETIC ANEMIA, CONGENITAL, TYPE Ia; CDAN1-Related Congenital Dyserythropoietic Anemia. Identifiers: MedGen C5574667, MONDO:0009135, OMIM 224120.

Allele frequency attached by ClinVar (database versions not stated): 1000 Genomes Project 30x 0.01218; 1000 Genomes Project 0.01238; TOPMed 0.01449; ESP Exome Variant Server 0.01784; gnomAD 0.02079 and 0.02118; gnomAD exomes 0.02172 and 0.02498; ExAC 0.02265.

Submissions (5):

Labcorp Genetics (formerly Invitae), Labcorp
Classification: Benign. Last evaluated: 2026-02-04. Review status: criteria provided, single submitter. Criteria: Invitae Variant Classification Sherloc (09022015). Collection method: clinical testing. Allele origin: germline.

ARUP Laboratories, Molecular Genetics and Genomics, ARUP Laboratories
Classification: Benign for Anemia, congenital dyserythropoietic, type 1a. Last evaluated: 2025-07-25. Review status: criteria provided, single submitter. Criteria: ARUP Molecular Germline Variant Investigation Process 2024. Collection method: clinical testing. Allele origin: germline.

GeneDx
Classification: Benign. Last evaluated: 2021-05-04. Review status: criteria provided, single submitter. Criteria: GeneDx Variant Classification Process June 2021. Collection method: clinical testing. Allele origin: germline. Affected: yes.

Illumina Laboratory Services, Illumina
Classification: Benign for Anemia, congenital dyserythropoietic, type 1a. Last evaluated: 2018-01-12. Review status: criteria provided, single submitter. Criteria: ICSL Variant Classification Criteria 13 December 2019. Collection method: clinical testing. Allele origin: germline.
Comment: This variant was observed in the ICSL laboratory as part of a predisposition screen in an ostensibly healthy population. It had not been previously curated by ICSL or reported in the Human Gene Mutation Database (HGMD: prior to June 1st, 2018), and was therefore a candidate for classification through an automated scoring system. Utilizing variant allele frequency, disease prevalence and penetrance estimates, and inheritance mode, an automated score was calculated to assess if this variant is too frequent to cause the disease. Based on the score and internal cut-off values, a variant classified as benign is not then subjected to further curation. The score for this variant resulted in a classification of benign for this disease.

Breakthrough Genomics
Classification: Benign. Review status: criteria provided, single submitter. Criteria: ACMG Guidelines, 2015. Collection method: not provided. Allele origin: germline. Inheritance: Autosomal recessive inheritance. Affected: yes.

NM_138477.4(CDAN1):c.2948-13C>T

Gene: CDAN1 (codanin 1; minus strand). Cytogenetic location: 15q15.2.
Variant type: single nucleotide variant.
Coding change: c.2948-13C>T on transcript NM_138477.4 (MANE Select); 13 bases into the intron before coding-DNA position 2948, C replaced by T.
Molecular consequence: intron variant.
Genome position (GRCh38, 1-based): chr15:42,727,782, G>A on the plus strand (C>T on the coding strand, the complement: CDAN1 is on the minus strand). VCF-style: chr15-42727782-G-A. GRCh37 (hg19) VCF-style: chr15-43019980-G-A.
Other names: c.2948-13C>T (LRG_1164t1).
Identifiers: ClinVar variation 315925 (VCV000315925.27), dbSNP rs117946783, ClinGen allele CA7515356.